The following is an entry in ClinVar:

ClinVar aggregate classification (germline): Uncertain significance. Review status: criteria provided, multiple submitters, no conflicts (2 of 4 stars). 2 submissions from 2 submitters: Uncertain significance (2). Last evaluated 2025-11-28.

Conditions:
Cardiovascular phenotype. Identifiers: MedGen CN230736.
Dilated cardiomyopathy 1DD (CMD1DD). Identifiers: Orphanet 154, MedGen C2750995, MONDO:0013168, OMIM 613172.

Submissions (2):

Labcorp Genetics (formerly Invitae), Labcorp
Classification: Uncertain significance for Dilated cardiomyopathy 1DD. Last evaluated: 2025-11-28. Review status: criteria provided, single submitter. Criteria: Invitae Variant Classification Sherloc (09022015). Collection method: clinical testing. Allele origin: germline.
Comment: This sequence change replaces glutamic acid, which is acidic and polar, with alanine, which is neutral and non-polar, at codon 907 of the RBM20 protein (p.Glu907Ala). This variant is not present in population databases (gnomAD no frequency). This variant has not been reported in the literature in individuals affected with RBM20-related conditions. ClinVar contains an entry for this variant (Variation ID: 538026). Invitae Evidence Modeling of protein sequence and biophysical properties (such as structural, functional, and spatial information, amino acid conservation, physicochemical variation, residue mobility, and thermodynamic stability) indicates that this missense variant is not expected to disrupt RBM20 protein function with a negative predictive value of 95%. In summary, the available evidence is currently insufficient to determine the role of this variant in disease. Therefore, it has been classified as a Variant of Uncertain Significance.

Ambry Genetics
Classification: Uncertain significance for Cardiovascular phenotype. Last evaluated: 2024-03-28. Review status: criteria provided, single submitter. Criteria: Ambry Variant Classification Scheme 2023. Collection method: clinical testing. Allele origin: germline.
Comment: The p.E907A variant (also known as c.2720A>C), located in coding exon 11 of the RBM20 gene, results from an A to C substitution at nucleotide position 2720. The glutamic acid at codon 907 is replaced by alanine, an amino acid with dissimilar properties. This amino acid position is conserved. In addition, the in silico prediction for this alteration is inconclusive. Based on the available evidence, the clinical significance of this alteration remains unclear.

NM_001134363.3(RBM20):c.2720A>C (p.Glu907Ala)

Gene: RBM20 (RNA binding motif protein 20; plus strand). Cytogenetic location: 10q25.2.
Variant type: single nucleotide variant.
Coding change: c.2720A>C on transcript NM_001134363.3 (MANE Select); coding-DNA position 2720, A replaced by C.
Protein change: p.Glu907Ala; replaces glutamic acid 907 with alanine.
Molecular consequence: missense variant.
Genome position (GRCh38, 1-based): chr10:110,821,339, A>C. VCF-style: chr10-110821339-A-C. GRCh37 (hg19) VCF-style: chr10-112581097-A-C.
Other names: c.2720A>C (NM_001134363.1); short protein forms E907A.
Identifiers: ClinVar variation 538026 (VCV000538026.9), dbSNP rs1554843517, ClinGen allele CA378377286.